The following is an entry in ClinVar:

ClinVar aggregate classification (germline): Benign (1 of 4 stars; one submission).

Conditions:
Loeys-Dietz syndrome 4 (LDS4). Also called: ANEURYSM, AORTIC AND CEREBRAL, WITH ARTERIAL TORTUOSITY AND SKELETAL MANIFESTATIONS; TGFB2-Related Loeys-Dietz Syndrome. Identifiers: MedGen C3553762, MONDO:0013897, OMIM 614816.

Allele frequency attached by ClinVar (database versions not stated): gnomAD 0.00958 and 0.00992; TOPMed 0.01575; 1000 Genomes Project 0.01697; 1000 Genomes Project 30x 0.01733.

Submission:

Illumina Laboratory Services, Illumina
Classification: Benign for Loeys-Dietz syndrome 4. Last evaluated: 2018-01-13. Review status: criteria provided, single submitter. Criteria: ICSL Variant Classification Criteria 13 December 2019. Collection method: clinical testing. Allele origin: germline.
Comment: This variant was observed in the ICSL laboratory as part of a predisposition screen in an ostensibly healthy population. It had not been previously curated by ICSL or reported in the Human Gene Mutation Database (HGMD: prior to June 1st, 2018), and was therefore a candidate for classification through an automated scoring system. Utilizing variant allele frequency, disease prevalence and penetrance estimates, and inheritance mode, an automated score was calculated to assess if this variant is too frequent to cause the disease. Based on the score and internal cut-off values, a variant classified as benign is not then subjected to further curation. The score for this variant resulted in a classification of benign for this disease.

NM_003238.6(TGFB2):c.*1585C>G

Genes: TGFB2 (transforming growth factor beta 2; plus strand), TGFB2-OT1 (TGFB2 overlapping transcript 1; plus strand). Cytogenetic location: 1q41.
Variant type: single nucleotide variant.
Coding change: c.*1585C>G on transcript NM_003238.6 (MANE Select); 1585 bases downstream of the stop codon, C replaced by G.
Molecular consequence: 3 prime UTR variant. On other transcripts: non-coding transcript variant (3).
Genome position (GRCh38, 1-based): chr1:218,442,947, C>G. VCF-style: chr1-218442947-C-G. GRCh37 (hg19) VCF-style: chr1-218616289-C-G.
Other names: c.*1585C>G (NM_001135599.4).
Identifiers: ClinVar variation 295519 (VCV000295519.5), dbSNP rs17047863, ClinGen allele CA10609958.